The following is an entry in ClinVar:

NM_001458.5(FLNC):c.7454C>T (p.Ala2485Val)

Genes: FLNC (filamin C; plus strand), FLNC-AS1 (FLNC antisense RNA 1; minus strand). Cytogenetic location: 7q32.1.
Variant type: single nucleotide variant.
Coding change: c.7454C>T on transcript NM_001458.5 (MANE Select); coding-DNA position 7454, C replaced by T.
Protein change: p.Ala2485Val; replaces alanine 2485 with valine.
Molecular consequence: missense variant.
Genome position (GRCh38, 1-based): chr7:128,856,814, C>T. VCF-style: chr7-128856814-C-T. GRCh37 (hg19) VCF-style: chr7-128496868-C-T.
Other names: c.7355C>T, p.Ala2452Val (NM_001127487.2); short protein forms A2452V, A2485V.
Identifiers: ClinVar variation 2631216 (VCV002631216.4), dbSNP rs2536670344, ClinGen allele CA369217471.
Genomic context (GRCh38, chr7:128,856,814, plus strand): 5'-CCATCCGCTTCATCCCCCACGAGAATGGCGTCCACTCCATCGATGTCAAGTTCAACGGTG[C>T]CCACATCCCTGGAAGTCCCTTCAAGATCCGCGTTGGGGAGCAGAGCCAGGCTGGGGACCC-3'
Protein context (NP_001449.3, residues 2475-2495): VHSIDVKFNG[Ala2485Val]HIPGSPFKIR

ClinVar aggregate classification (germline): Uncertain significance. Review status: criteria provided, multiple submitters, no conflicts (2 of 4 stars). 2 submissions from 2 submitters: Uncertain significance (2). Last evaluated 2024-10-15.

Conditions:
FLNC-related disorder. Also called: FLNC-related condition; FLNC-related disorders.
Myofibrillar myopathy 5. Also called: Filaminopathy (type); FILAMINOPATHY, AUTOSOMAL DOMINANT. Identifiers: Orphanet 171445, MedGen C1836050, MONDO:0012289, OMIM 609524.
Distal myopathy with posterior leg and anterior hand involvement. Also called: WILLIAMS DISTAL MYOPATHY. Identifiers: Orphanet 63273, MedGen C3279722, MONDO:0013550, OMIM 614065.
Hypertrophic cardiomyopathy 26. Also called: Cardiomyopathy, familial hypertrophic, 26. Identifiers: OMIM 617047, Orphanet 75249, MedGen C4310749, MONDO:0014883.

Submissions (2):

Labcorp Genetics (formerly Invitae), Labcorp
Classification: Uncertain significance for Distal myopathy with posterior leg and anterior hand involvement; Myofibrillar myopathy 5; Hypertrophic cardiomyopathy 26. Last evaluated: 2024-10-15. Review status: criteria provided, single submitter. Criteria: Invitae Variant Classification Sherloc (09022015). Collection method: clinical testing. Allele origin: germline.
Comment: This sequence change replaces alanine, which is neutral and non-polar, with valine, which is neutral and non-polar, at codon 2485 of the FLNC protein (p.Ala2485Val). This variant is not present in population databases (gnomAD no frequency). This variant has not been reported in the literature in individuals affected with FLNC-related conditions. ClinVar contains an entry for this variant (Variation ID: 2631216). Invitae Evidence Modeling of protein sequence and biophysical properties (such as structural, functional, and spatial information, amino acid conservation, physicochemical variation, residue mobility, and thermodynamic stability) indicates that this missense variant is not expected to disrupt FLNC protein function with a negative predictive value of 95%. In summary, the available evidence is currently insufficient to determine the role of this variant in disease. Therefore, it has been classified as a Variant of Uncertain Significance.

PreventionGenetics, part of Exact Sciences
Classification: Uncertain significance for FLNC-related condition. Last evaluated: 2023-06-24. Review status: criteria provided, single submitter. Criteria: ACMG Guidelines, 2015. Collection method: clinical testing. Allele origin: germline.
Comment: The FLNC c.7454C>T variant is predicted to result in the amino acid substitution p.Ala2485Val. To our knowledge, this variant has not been reported in the literature or in a large population database, indicating this variant is rare. At this time, the clinical significance of this variant is uncertain due to the absence of conclusive functional and genetic evidence.